The following is an entry in ClinVar:

ClinVar aggregate classification (germline): Uncertain significance (1 of 4 stars; one submission).

Conditions:
Charcot-Marie-Tooth disease dominant intermediate B (CMTDIB). Also called: CHARCOT-MARIE-TOOTH NEUROPATHY, DOMINANT INTERMEDIATE B; Charcot-Marie-Tooth disease dominant intermediate 1; CMT DI1; Charcot-Marie-Tooth disease dominant intermediate I. Identifiers: Orphanet 100044, Orphanet 228179, MedGen C1847902, MONDO:0011674, OMIM 606482.

Submission:

Labcorp Genetics (formerly Invitae), Labcorp
Classification: Uncertain significance for Charcot-Marie-Tooth disease, dominant intermediate B. Last evaluated: 2018-08-07. Review status: criteria provided, single submitter. Criteria: Invitae Variant Classification Sherloc (09022015). Collection method: clinical testing. Allele origin: germline.
Comment: This variant results in a copy number gain of the genomic region encompassing exons 1-7 of the DNM2 gene. The 5' end of this event is unknown as it extends beyond the assayed region for this gene and therefore may encompass additional genes. The 3' boundary is likely confined to intron 7 of the DNM2 gene. As the precise location of this event is unknown, it may be in tandem or it may be located elsewhere in the genome. This variant has not been reported in the literature in individuals with DNM2-related disease. Experimental studies are not available for this variant, and the functional significance of a copy number gain of these exons is currently unknown. In summary, the available evidence is currently insufficient to determine the role of this variant in disease. Therefore, it has been classified as a Variant of Uncertain Significance.

NC_000019.9:g.(?_10828899)_(10897402_?)dup

Genes: MIR638 (microRNA 638; plus strand), DNM2 (dynamin 2; plus strand), MIR4748 (microRNA 4748; plus strand), LOC130063531 (ATAC-STARR-seq lymphoblastoid active region 13989; plus strand), LOC130063529 (ATAC-STARR-seq lymphoblastoid silent region 10090; plus strand) and 6 more. Cytogenetic location: 19p13.2.
Variant type: Duplication.
Identifiers: ClinVar variation 649075 (VCV000649075.1).